The following is an entry in ClinVar:

NM_020975.6(RET):c.1607C>T (p.Ser536Phe)

Gene: RET (ret proto-oncogene; plus strand). Cytogenetic location: 10q11.21.
Variant type: single nucleotide variant.
Coding change: c.1607C>T on transcript NM_020975.6 (MANE Select); coding-DNA position 1607, C replaced by T.
Protein change: p.Ser536Phe; replaces serine 536 with phenylalanine.
Molecular consequence: missense variant.
Genome position (GRCh38, 1-based): chr10:43,112,183, C>T. VCF-style: chr10-43112183-C-T. GRCh37 (hg19) VCF-style: chr10-43607631-C-T.
Other names: c.845C>T, p.Ser282Phe (NM_001355216.2); c.1607C>T, p.Ser536Phe (NM_001406743.1, NM_001406744.1, NM_001406759.1 and 4 more transcripts); c.1478C>T, p.Ser493Phe (NM_001406761.1, NM_001406762.1, NM_001406764.1 and 1 more transcripts); c.1319C>T, p.Ser440Phe (NM_001406766.1, NM_001406767.1, NM_001406770.1); c.1211C>T, p.Ser404Phe (NM_001406769.1, NM_001406772.1); c.1169C>T, p.Ser390Phe (NM_001406771.1, NM_001406773.1); c.1082C>T, p.Ser361Phe (NM_001406774.1); c.881C>T, p.Ser294Phe (NM_001406775.1, NM_001406776.1, NM_001406777.1 and 1 more transcripts); and 5 more; short protein forms S194F, S237F, S361F, S440F, S536F, S282F, S53F, S141F.
Identifiers: ClinVar variation 3788314 (VCV003788314.1).

ClinVar aggregate classification (germline): Uncertain significance (1 of 4 stars; one submission).

Conditions:
Hereditary cancer-predisposing syndrome. Also called: Neoplastic Syndromes, Hereditary; Hereditary Cancer Syndrome; Tumor predisposition; Hereditary neoplastic syndrome. Identifiers: Orphanet 140162, MedGen C0027672, MeSH D009386, MONDO:0015356.

Submission:

Ambry Genetics
Classification: Uncertain significance for Hereditary cancer-predisposing syndrome. Last evaluated: 2025-01-17. Review status: criteria provided, single submitter. Criteria: Ambry Variant Classification Scheme 2023. Collection method: clinical testing. Allele origin: germline.
Comment: The p.S536F variant (also known as c.1607C>T), located in coding exon 8 of the RET gene, results from a C to T substitution at nucleotide position 1607. The serine at codon 536 is replaced by phenylalanine, an amino acid with highly dissimilar properties. This amino acid position is not well conserved in available vertebrate species. In addition, the in silico prediction for this alteration is inconclusive. Based on the available evidence, the clinical significance of this variant remains unclear.